The following is an entry in ClinVar:

NM_001198800.3(ASCC1):c.1000A>G (p.Ile334Val)

Gene: ASCC1 (activating signal cointegrator 1 complex subunit 1; minus strand). Cytogenetic location: 10q22.1.
Variant type: single nucleotide variant.
Coding change: c.1000A>G on transcript NM_001198800.3 (MANE Select); coding-DNA position 1000, A replaced by G.
Protein change: p.Ile334Val; replaces isoleucine 334 with valine.
Molecular consequence: missense variant. On other transcripts: 3 prime UTR variant (20), non-coding transcript variant (1).
Genome position (GRCh38, 1-based): chr10:72,097,408, T>C on the plus strand (A>G on the coding strand, the complement: ASCC1 is on the minus strand). VCF-style: chr10-72097408-T-C. GRCh37 (hg19) VCF-style: chr10-73857166-T-C.
Other names: c.1000A>G, p.Ile334Val (NM_001198798.2, NM_001369093.1, NM_001369094.1 and 1 more transcripts); c.*78A>G (NM_001198799.3, NM_001369085.1, NM_001369087.1 and 3 more transcripts); c.*35A>G (NM_001369086.1, NM_001369090.1, NM_001369091.1 and 11 more transcripts); c.946A>G, p.Ile316Val (NM_001369099.1); c.883A>G, p.Ile295Val (NM_001369105.1, NM_001369106.1, NM_001369107.1); c.880A>G, p.Ile294Val (NM_001369108.1, NM_001369109.1); short protein forms I294V, I295V, I316V, I334V.
Identifiers: ClinVar variation 1434032 (VCV001434032.6), dbSNP rs139976873, ClinGen allele CA5548829.

ClinVar aggregate classification (germline): Uncertain significance (1 of 4 stars; one submission).

Allele frequency attached by ClinVar (database versions not stated): gnomAD exomes 0.00002 and 0.00004; ExAC 0.00006; gnomAD 0.00009 and 0.00011; TOPMed 0.00012; ESP Exome Variant Server 0.00015; 1000 Genomes Project 30x 0.00016; 1000 Genomes Project 0.00020.
gnomAD v4.1: 56 of 1,614,050 alleles (0.0035%); highest among the groups gnomAD compares: African/African-American, 0.028%; no homozygotes.

Submission:

Labcorp Genetics (formerly Invitae), Labcorp
Classification: Uncertain significance. Last evaluated: 2021-11-16. Review status: criteria provided, single submitter. Criteria: Invitae Variant Classification Sherloc (09022015). Collection method: clinical testing. Allele origin: germline.
Comment: In summary, the available evidence is currently insufficient to determine the role of this variant in disease. Therefore, it has been classified as a Variant of Uncertain Significance. Algorithms developed to predict the effect of missense changes on protein structure and function (SIFT, PolyPhen-2, Align-GVGD) all suggest that this variant is likely to be tolerated. This variant has not been reported in the literature in individuals affected with ASCC1-related conditions. This variant is present in population databases (rs139976873, gnomAD 0.02%). This sequence change replaces isoleucine, which is neutral and non-polar, with valine, which is neutral and non-polar, at codon 334 of the ASCC1 protein (p.Ile334Val).